The following is an entry in ClinVar:

ClinVar aggregate classification (germline): Uncertain significance (1 of 4 stars; one submission).

Submission:

Ambry Genetics
Classification: Uncertain significance. Last evaluated: 2026-08-24. Review status: criteria provided, single submitter. Criteria: Ambry Variant Classification Scheme 2023. Collection method: clinical testing. Allele origin: germline.
Comment: The p.L41W variant (also known as c.122T>G), located in coding exon 2 of the A2ML1 gene, results from a T to G substitution at nucleotide position 122. The leucine at codon 41 is replaced by tryptophan, an amino acid with similar properties. This amino acid position is conserved. In addition, the in silico prediction for this alteration is inconclusive. Based on the available evidence, the clinical significance of this variant remains unclear.

NM_144670.6(A2ML1):c.122T>G (p.Leu41Trp)

Genes: A2ML1 (alpha-2-macroglobulin like 1; plus strand), A2ML1-AS1 (A2ML1 antisense RNA 1; minus strand). Cytogenetic location: 12p13.31.
Variant type: single nucleotide variant.
Coding change: c.122T>G on transcript NM_144670.6 (MANE Select); coding-DNA position 122, T replaced by G.
Protein change: p.Leu41Trp; replaces leucine 41 with tryptophan.
Molecular consequence: missense variant.
Genome position (GRCh38, 1-based): chr12:8,823,241, T>G. VCF-style: chr12-8823241-T-G. GRCh37 (hg19) VCF-style: chr12-8975837-T-G.
Other names: short protein forms L41W.
Identifiers: ClinVar variation 5029024 (VCV005029024.1).